The following is an entry in ClinVar:

NM_004991.4(MECOM):c.2732A>G (p.Glu911Gly)

Gene: MECOM (MDS1 and EVI1 complex locus; minus strand). Cytogenetic location: 3q26.2.
Variant type: single nucleotide variant.
Coding change: c.2732A>G on transcript NM_004991.4 (MANE Select); coding-DNA position 2732, A replaced by G.
Protein change: p.Glu911Gly; replaces glutamic acid 911 with glycine.
Molecular consequence: missense variant.
Genome position (GRCh38, 1-based): chr3:169,102,099, T>C on the plus strand (A>G on the coding strand, the complement: MECOM is on the minus strand). VCF-style: chr3-169102099-T-C. GRCh37 (hg19) VCF-style: chr3-168819887-T-C.
Other names: c.2363A>G, p.Glu788Gly (NM_001105077.4); c.2168A>G, p.Glu723Gly (NM_001105078.4, NM_001205194.2, NM_001366469.2 and 1 more transcripts); c.2144A>G, p.Glu715Gly (NM_001163999.2, NM_001366470.2); c.2141A>G, p.Glu714Gly (NM_001164000.2, NM_001366471.2, NM_001366472.2); c.2705A>G, p.Glu902Gly (NM_001366466.2); c.2171A>G, p.Glu724Gly (NM_001366467.2, NM_001366468.2); c.1733A>G, p.Glu578Gly (NM_001366473.2); c.1169A>G, p.Glu390Gly (NM_001366474.2); short protein forms E390G, E724G, E578G, E715G, E723G, E902G, E714G, E788G.
Identifiers: ClinVar variation 2810321 (VCV002810321.3), dbSNP rs2549282534, ClinGen allele CA355079170.

ClinVar aggregate classification (germline): Uncertain significance (1 of 4 stars; one submission).

Allele frequency attached by ClinVar (database versions not stated): gnomAD exomes below 0.00001.
gnomAD v4.1: 2 of 1,613,758 alleles (0.00012%); highest among the groups gnomAD compares: Non-Finnish European, 0.00017%; no homozygotes.

Submission:

Labcorp Genetics (formerly Invitae), Labcorp
Classification: Uncertain significance. Last evaluated: 2022-10-28. Review status: criteria provided, single submitter. Criteria: Invitae Variant Classification Sherloc (09022015). Collection method: clinical testing. Allele origin: germline.
Comment: In summary, the available evidence is currently insufficient to determine the role of this variant in disease. Therefore, it has been classified as a Variant of Uncertain Significance. This sequence change replaces glutamic acid, which is acidic and polar, with glycine, which is neutral and non-polar, at codon 723 of the MECOM protein (p.Glu723Gly). This variant is not present in population databases (gnomAD no frequency). This variant has not been reported in the literature in individuals affected with MECOM-related conditions. Algorithms developed to predict the effect of missense changes on protein structure and function are either unavailable or do not agree on the potential impact of this missense change (SIFT: "Deleterious"; PolyPhen-2: "Benign"; Align-GVGD: "Class C0").